The following is an entry in ClinVar:

NM_002282.3(KRT83):c.388C>T (p.Arg130Cys)

Gene: KRT83 (keratin 83; minus strand). Cytogenetic location: 12q13.13.
Variant type: single nucleotide variant.
Coding change: c.388C>T on transcript NM_002282.3 (MANE Select); coding-DNA position 388, C replaced by T.
Protein change: p.Arg130Cys; replaces arginine 130 with cysteine.
Molecular consequence: missense variant.
Genome position (GRCh38, 1-based): chr12:52,319,361, G>A on the plus strand (C>T on the coding strand, the complement: KRT83 is on the minus strand). VCF-style: chr12-52319361-G-A. GRCh37 (hg19) VCF-style: chr12-52713145-G-A.
Other names: short protein forms R130C.
Identifiers: ClinVar variation 2198246 (VCV002198246.5), dbSNP rs373356045, ClinGen allele CA6577690.

ClinVar aggregate classification (germline): Uncertain significance. Review status: criteria provided, multiple submitters, no conflicts (2 of 4 stars). 2 submissions from 2 submitters: Uncertain significance (2). Last evaluated 2025-04-01.

Allele frequency attached by ClinVar (database versions not stated): gnomAD exomes 0.00001; ExAC 0.00003; gnomAD 0.00003; TOPMed 0.00003; ESP Exome Variant Server 0.00015.

Submissions (2):

Ambry Genetics
Classification: Uncertain significance. Last evaluated: 2025-04-01. Review status: criteria provided, single submitter. Criteria: Ambry Variant Classification Scheme 2023. Collection method: clinical testing. Allele origin: germline.

Labcorp Genetics (formerly Invitae), Labcorp
Classification: Uncertain significance. Last evaluated: 2022-02-11. Review status: criteria provided, single submitter. Criteria: Invitae Variant Classification Sherloc (09022015). Collection method: clinical testing. Allele origin: germline.
Comment: In summary, the available evidence is currently insufficient to determine the role of this variant in disease. Therefore, it has been classified as a Variant of Uncertain Significance. Algorithms developed to predict the effect of missense changes on protein structure and function are either unavailable or do not agree on the potential impact of this missense change (SIFT: "Deleterious"; PolyPhen-2: "Benign"; Align-GVGD: "Class C65"). This variant has not been reported in the literature in individuals affected with KRT83-related conditions. This variant is present in population databases (rs373356045, gnomAD 0.01%). This sequence change replaces arginine, which is basic and polar, with cysteine, which is neutral and slightly polar, at codon 130 of the KRT83 protein (p.Arg130Cys).